The following is an entry in ClinVar:

ClinVar aggregate classification (germline): Pathogenic/Likely pathogenic. Review status: criteria provided, multiple submitters, no conflicts (2 of 4 stars). 2 submissions from 2 submitters: Pathogenic (1); Likely pathogenic (1). Last evaluated 2026-02-14.

Conditions:
Inborn genetic diseases. Identifiers: MedGen C0950123, MeSH D030342.

Submissions (2):

GeneDx
Classification: Likely pathogenic. Last evaluated: 2026-02-14. Review status: criteria provided, single submitter. Criteria: GeneDx Variant Classification Process June 2021. Collection method: clinical testing. Allele origin: germline.
Comment: De novo variant in a patient with reported clinical features that are only partially consistent with the features typically observed in individuals with pathogenic variants in this gene (PMID: 37644014); Nonsense variant predicted to result in protein truncation or nonsense mediated decay in a gene for which loss of function is a known mechanism of disease; Not observed at significant frequency in large population cohorts (gnomAD); This variant is associated with the following publications: (PMID: 37644014)

Ambry Genetics
Classification: Pathogenic for Inborn genetic diseases. Last evaluated: 2025-03-14. Review status: criteria provided, single submitter. Criteria: Ambry Variant Classification Scheme 2023. Collection method: clinical testing. Allele origin: germline.
Comment: The c.3652C>T (p.R1218*) alteration, located in exon 30 (coding exon 30) of the MAP4K4 gene, consists of a C to T substitution at nucleotide position 3652. This changes the amino acid from a arginine (R) to a stop codon at amino acid position 1218. This alteration is expected to result in loss of function by premature protein truncation or nonsense-mediated mRNA decay. This variant was not reported in population-based cohorts in the Genome Aggregation Database (gnomAD). Based on the available evidence, this alteration is classified as pathogenic.

NM_001395002.1(MAP4K4):c.3985C>T (p.Arg1329Ter)

Gene: MAP4K4 (mitogen-activated protein kinase kinase kinase kinase 4; plus strand). Cytogenetic location: 2q11.2.
Variant type: single nucleotide variant.
Coding change: c.3985C>T on transcript NM_001395002.1 (MANE Select); coding-DNA position 3985, C replaced by T.
Protein change: p.Arg1329Ter; replaces arginine 1329 with a stop codon.
Molecular consequence: nonsense. On other transcripts: non-coding transcript variant (4).
Genome position (GRCh38, 1-based): chr2:101,888,849, C>T. VCF-style: chr2-101888849-C-T. GRCh37 (hg19) VCF-style: chr2-102505311-C-T.
Other names: c.3328C>T, p.Arg1110Ter (NM_004834.5); c.3652C>T, p.Arg1218Ter (NM_145686.4); c.3469C>T, p.Arg1157Ter (NM_145687.4, NM_001384559.1); c.3604C>T, p.Arg1202Ter (NM_001384572.1); c.3535C>T, p.Arg1179Ter (NM_001384579.1, NM_001384491.1); c.3550C>T, p.Arg1184Ter (NM_001242559.2); c.3538C>T, p.Arg1180Ter (NM_001242560.2); c.3628C>T, p.Arg1210Ter (NM_001384476.1); and 40 more; short protein forms R1133*, R1134*, R1158*, R1180*, R1194*, R1201*, R1203*, R1209*.
Identifiers: ClinVar variation 3870333 (VCV003870333.2).
Genomic context (GRCh38, chr2:101,888,849, plus strand): 5'-CCAAAAGCATATATTCGATCCAATCAGACAATGGGCTGGGGAGAGAAGGCCATAGAGATC[C>T]GATCTGTGGAAACTGGTCACTTGGATGGTGTGTTCATGCACAAAAGGGCTCAAAGACTAA-3'